The following is an entry in ClinVar:

NM_001379451.1(BCORL1):c.2863A>C (p.Ser955Arg)

Gene: BCORL1 (BCL6 corepressor like 1; plus strand). Cytogenetic location: Xq26.1.
Variant type: single nucleotide variant.
Coding change: c.2863A>C on transcript NM_001379451.1 (MANE Select); coding-DNA position 2863, A replaced by C.
Protein change: p.Ser955Arg; replaces serine 955 with arginine.
Molecular consequence: missense variant.
Genome position (GRCh38, 1-based): chrX:130,015,635, A>C. VCF-style: chrX-130015635-A-C. GRCh37 (hg19) VCF-style: chrX-129149611-A-C.
Other names: c.2863A>C, p.Ser955Arg (NM_001184772.3, NM_001379450.1, NM_021946.5); short protein forms S955R.
Identifiers: ClinVar variation 384972 (VCV000384972.5), dbSNP rs1057522091, ClinGen allele CA16608691.

ClinVar aggregate classification (germline): Uncertain significance. Review status: criteria provided, multiple submitters, no conflicts (2 of 4 stars). 3 submissions from 3 submitters: Uncertain significance (3). Last evaluated 2025-09-26.

Conditions:
Shukla-Vernon syndrome. Identifiers: MedGen C5193146, MONDO:0026727, OMIM 301029.

Allele frequency attached by ClinVar (database versions not stated): gnomAD 0.00001; gnomAD exomes 0.00003; TOPMed 0.00001.
gnomAD v4.1: 34 of 1,210,273 alleles (0.0028%); highest among the groups gnomAD compares: Non-Finnish European, 0.0036%; no homozygotes.

Submissions (3):

Ambry Genetics
Classification: Uncertain significance. Last evaluated: 2025-09-26. Review status: criteria provided, single submitter. Criteria: Ambry Variant Classification Scheme 2023. Collection method: clinical testing. Allele origin: germline.

Baylor Genetics
Classification: Uncertain significance for Shukla-Vernon syndrome. Last evaluated: 2024-01-03. Review status: criteria provided, single submitter. Criteria: ACMG Guidelines, 2015. Collection method: clinical testing. Allele origin: unknown.

GeneDx
Classification: Uncertain significance. Last evaluated: 2019-08-23. Review status: criteria provided, single submitter. Criteria: GeneDx Variant Classification Process June 2021. Collection method: clinical testing. Allele origin: germline. Affected: yes.
Comment: Not observed n large population cohorts (Lek et al., 2016); In silico analysis, which includes protein predictors and evolutionary conservation, supports that this variant does not alter protein structure/function; Has not been previously published as pathogenic or benign to our knowledge